The following is an entry in ClinVar:

NM_000381.4(MID1):c.973C>G (p.His325Asp)

Gene: MID1 (midline 1; minus strand). Cytogenetic location: Xp22.2.
Variant type: single nucleotide variant.
Coding change: c.973C>G on transcript NM_000381.4 (MANE Select); coding-DNA position 973, C replaced by G.
Protein change: p.His325Asp; replaces histidine 325 with aspartic acid.
Molecular consequence: missense variant.
Genome position (GRCh38, 1-based): chrX:10,482,520, G>C on the plus strand (C>G on the coding strand, the complement: MID1 is on the minus strand). VCF-style: chrX-10482520-G-C. GRCh37 (hg19) VCF-style: chrX-10450560-G-C.
Other names: c.973C>G, p.His325Asp (NM_001098624.2, NM_001193277.1, NM_001193279.1 and 2 more transcripts); c.1126C>G, p.His376Asp (NM_001193278.1); c.859C>G, p.His287Asp (NM_001193280.1, NM_033289.2); short protein forms H287D, H325D, H376D.
Identifiers: ClinVar variation 2504424 (VCV002504424.1), dbSNP rs2519016481, ClinGen allele CA412052816.

ClinVar aggregate classification (germline): Uncertain significance (1 of 4 stars; one submission).

Submission:

GeneDx
Classification: Uncertain significance. Last evaluated: 2022-11-25. Review status: criteria provided, single submitter. Criteria: GeneDx Variant Classification Process June 2021. Collection method: clinical testing. Allele origin: germline. Affected: yes.
Comment: Not observed at significant frequency in large population cohorts (gnomAD); In silico analysis supports that this missense variant has a deleterious effect on protein structure/function; Has not been previously published as pathogenic or benign to our knowledge